The following is an entry in ClinVar:

NM_025114.4(CEP290):c.3111A>T (p.Glu1037Asp)

Gene: CEP290 (centrosomal protein 290; minus strand). Cytogenetic location: 12q21.32.
Variant type: single nucleotide variant.
Coding change: c.3111A>T on transcript NM_025114.4 (MANE Select); coding-DNA position 3111, A replaced by T.
Protein change: p.Glu1037Asp; replaces glutamic acid 1037 with aspartic acid.
Molecular consequence: missense variant.
Genome position (GRCh38, 1-based): chr12:88,093,968, T>A on the plus strand (A>T on the coding strand, the complement: CEP290 is on the minus strand). VCF-style: chr12-88093968-T-A. GRCh37 (hg19) VCF-style: chr12-88487745-T-A.
Other names: short protein forms E1037D.
Identifiers: ClinVar variation 1911513 (VCV001911513.2), dbSNP rs1232167894, ClinGen allele CA386006609.

ClinVar aggregate classification (germline): Uncertain significance (1 of 4 stars; one submission).

Conditions:
Joubert syndrome. Also called: CEREBELLOPARENCHYMAL DISORDER IV; JOUBERT-BOLTSHAUSER SYNDROME; Familial aplasia of the vermis. Identifiers: Orphanet 475, MedGen C5979921, MONDO:0018772.
Meckel-Gruber syndrome. Also called: DYSENCEPHALIA SPLANCHNOCYSTICA; GRUBER SYNDROME; Dysencephalia splachnocystica. Identifiers: Orphanet 564, MedGen C0265215, MONDO:0018921.
Nephronophthisis. Also called: Juvenile Nephronophthisis. Identifiers: Orphanet 655, MedGen C0687120, MONDO:0019005, HP:0000090.

Allele frequency attached by ClinVar (database versions not stated): gnomAD exomes below 0.00001; TOPMed 0.00002.
gnomAD v4.1: 1 of 1,601,900 alleles (0.000062%); highest among the groups gnomAD compares: East Asian, 0.0022%; no homozygotes.

Submission:

Labcorp Genetics (formerly Invitae), Labcorp
Classification: Uncertain significance for Joubert syndrome; Meckel-Gruber syndrome; Nephronophthisis. Last evaluated: 2022-01-18. Review status: criteria provided, single submitter. Criteria: Invitae Variant Classification Sherloc (09022015). Collection method: clinical testing. Allele origin: germline.
Comment: This sequence change replaces glutamic acid, which is acidic and polar, with aspartic acid, which is acidic and polar, at codon 1037 of the CEP290 protein (p.Glu1037Asp). This variant is not present in population databases (gnomAD no frequency). This variant has not been reported in the literature in individuals affected with CEP290-related conditions. Algorithms developed to predict the effect of missense changes on protein structure and function output the following: SIFT: "Tolerated"; PolyPhen-2: "Benign"; Align-GVGD: "Class C0". The aspartic acid amino acid residue is found in multiple mammalian species, which suggests that this missense change does not adversely affect protein function. In summary, the available evidence is currently insufficient to determine the role of this variant in disease. Therefore, it has been classified as a Variant of Uncertain Significance.